The following is an entry in ClinVar:

ClinVar aggregate classification (germline): Uncertain significance (1 of 4 stars; one submission).

Conditions:
Familial thoracic aortic aneurysm and aortic dissection (TAAD). Also called: Thoracic aortic aneurysms and dissections. Identifiers: Orphanet 91387, MedGen C4707243, MONDO:0019625.

Submission:

Ambry Genetics
Classification: Uncertain significance for Familial thoracic aortic aneurysm and aortic dissection. Last evaluated: 2023-09-19. Review status: criteria provided, single submitter. Criteria: Ambry Variant Classification Scheme 2023. Collection method: clinical testing. Allele origin: germline.
Comment: The c.3763_3768delAAGAAG variant (also known as p.K1255_K1256del) is located in coding exon 27 of the MYH11 gene. This variant results from an in-frame AAGAAG deletion at nucleotide positions 3763 to 3768. This results in the in-frame deletion of two amino acids at codon 1255. This amino acid position is highly conserved in available vertebrate species. In addition, this alteration is predicted to be deleterious by in silico analysis (Choi Y et al. PLoS ONE. 2012; 7(10):e46688). Since supporting evidence is limited at this time, the clinical significance of this alteration remains unclear.

NM_002474.3(MYH11):c.3757AAG[2] (p.Lys1255_Lys1256del)

Gene: MYH11 (myosin heavy chain 11; minus strand). Cytogenetic location: 16p13.11.
Variant type: Microsatellite.
Coding change: c.3757AAG[2] on transcript NM_002474.3 (MANE Select); two copies in a row of the 3-base unit AAG starting at c.3757; the reference has four copies in a row; two copies, 6 bases deleted.
Protein change: p.Lys1255_Lys1256del.
Molecular consequence: inframe deletion.
Genome position (GRCh38, 1-based): chr16:15,726,938-15,726,943, CTTCTT deleted on the plus strand (AAGAAG on the coding strand, the reverse complement: MYH11 is on the minus strand); deleting any 6 consecutive bases within chr16:15,726,938-15,726,949 gives the same sequence; the position shown is the placement nearest the transcript's 3' end. VCF-style (leftmost placement, unchanged base first): chr16-15726937-GCTTCTT-G. GRCh37 (hg19) VCF-style: chr16-15820794-GCTTCTT-G.
Other names: c.3778AAG[2], p.Lys1262_Lys1263del (NM_001040113.2, NM_001040114.2); c.3757AAG[2], p.Lys1255_Lys1256del (NM_022844.3).
Identifiers: ClinVar variation 3222382 (VCV003222382.1), dbSNP rs730880147, ClinGen allele CA2731884578.